The following is an entry in ClinVar:

ClinVar aggregate classification (germline): Likely benign. Review status: criteria provided, multiple submitters, no conflicts (2 of 4 stars). 2 submissions from 2 submitters: Likely benign (2). Last evaluated 2022-02-11.

Conditions:
Alagille syndrome due to a JAG1 point mutation. Also called: Alagille Syndrome 1; JAG1-Related Alagille Syndrome; HEPATIC DUCTULAR HYPOPLASIA, SYNDROMATIC. Identifiers: Orphanet 261619, Orphanet 52, MedGen C1956125, MONDO:0016862, OMIM 118450.
Deafness, congenital heart defects, and posterior embryotoxon (DCHE). Identifiers: MedGen C1866053, MONDO:0060713, OMIM 617992.
Charcot-Marie-Tooth disease, axonal, Type 2HH. Also called: CHARCOT-MARIE-TOOTH NEUROPATHY, TYPE 2HH. Identifiers: MedGen C5562003, MONDO:0030458, OMIM 619574.
Tetralogy of Fallot (TOF). Identifiers: Orphanet 3303, MedGen C0039685, MONDO:0008542, OMIM 187500, HP:0001636.

Allele frequency attached by ClinVar (database versions not stated): TOPMed below 0.00001.

Submissions (3):

Labcorp Genetics (formerly Invitae), Labcorp
Classification: Likely benign for Alagille syndrome due to a JAG1 point mutation. Last evaluated: 2022-02-11. Review status: criteria provided, single submitter. Criteria: Invitae Variant Classification Sherloc (09022015). Collection method: clinical testing. Allele origin: germline.

Fulgent Genetics
Classification: Likely benign for Alagille syndrome due to a JAG1 point mutation; Tetralogy of Fallot; Deafness, congenital heart defects, and posterior embryotoxon; Charcot-Marie-Tooth disease, axonal, Type 2HH. Last evaluated: 2022-01-17. Review status: criteria provided, single submitter. Criteria: ACMG Guidelines, 2015. Collection method: clinical testing. Allele origin: unknown.

Gilbert/Spinner Lab, Children's Hospital of Philadelphia
No classification provided (evidence only). Condition: Alagille syndrome. Review status: no classification provided. Collection method: research. Allele origin: not applicable. Functional consequence: functionally_abnormal. Not counted in ClinVar's aggregate classification.
ClinVar note: "not provided" was previously submitted as the classification for the variant. However, the classification appeared to be based only on an observation of functional data so it was converted to no classification on 2025-07-30.

NM_000214.3(JAG1):c.120G>C (p.Leu40=)

Gene: JAG1 (jagged canonical Notch ligand 1; minus strand). Cytogenetic location: 20p12.2.
Variant type: single nucleotide variant.
Coding change: c.120G>C on transcript NM_000214.3 (MANE Select); coding-DNA position 120, G replaced by C.
Protein change: p.Leu40=; no amino-acid change (leucine 40 retained).
Molecular consequence: synonymous variant.
Genome position (GRCh38, 1-based): chr20:10,672,968, C>G on the plus strand (G>C on the coding strand, the complement: JAG1 is on the minus strand). VCF-style: chr20-10672968-C-G. GRCh37 (hg19) VCF-style: chr20-10653616-C-G.
Identifiers: ClinVar variation 1128925 (VCV001128925.12), dbSNP rs1000010346, ClinGen allele CA311357404.
Genomic context (GRCh38, chr20:10,672,968, plus strand): 5'-GTTCCGGGCGCCGCCGCAGCAGTTCCCGTTCTGCAGCTCCCCGTTCACGTTCTGCATGGA[C>G]AGGATCTCCAACTCGAACTGACCCGAGGCCCCACACACCTGCCGGCGAGGGAAGGAGGTA-3'
Protein context (NP_000205.1, residues 30-50): GASGQFELEI[Leu40=]SMQNVNGELQ